The following is an entry in ClinVar:

NM_001352514.2(HLCS):c.2413A>G (p.Ser805Gly)

Gene: HLCS (holocarboxylase synthetase; minus strand). Cytogenetic location: 21q22.13.
Variant type: single nucleotide variant.
Coding change: c.2413A>G on transcript NM_001352514.2 (MANE Select); coding-DNA position 2413, A replaced by G.
Protein change: p.Ser805Gly; replaces serine 805 with glycine.
Molecular consequence: missense variant. On other transcripts: non-coding transcript variant (2).
Genome position (GRCh38, 1-based): chr21:36,756,579, T>C on the plus strand (A>G on the coding strand, the complement: HLCS is on the minus strand). VCF-style: chr21-36756579-T-C. GRCh37 (hg19) VCF-style: chr21-38128880-T-C.
Other names: c.1972A>G, p.Ser658Gly (NM_001352516.2, NM_001352517.1, NM_001352518.2 and 4 more transcripts); short protein forms S658G, S805G.
Identifiers: ClinVar variation 379267 (VCV000379267.3), dbSNP rs755620019, ClinGen allele CA10020274.

ClinVar aggregate classification (germline): Conflicting classifications of pathogenicity. Review status: criteria provided, conflicting classifications (1 of 4 stars). 2 submissions from 2 submitters: Uncertain significance (1); Likely benign (1). Last evaluated 2022-07-18.

Conditions:
Holocarboxylase synthetase deficiency. Also called: MULTIPLE CARBOXYLASE DEFICIENCY, EARLY ONSET. Identifiers: Orphanet 79242, MedGen C0268581, MONDO:0009666, OMIM 253270.

Allele frequency attached by ClinVar (database versions not stated): gnomAD exomes below 0.00001; ExAC 0.00001; TOPMed 0.00001.
gnomAD v4.1: 1 of 1,611,744 alleles (0.000062%); highest among the groups gnomAD compares: African/African-American, 0.0013%; no homozygotes.

Submissions (2):

Labcorp Genetics (formerly Invitae), Labcorp
Classification: Uncertain significance for Holocarboxylase synthetase deficiency. Last evaluated: 2022-07-18. Review status: criteria provided, single submitter. Criteria: Invitae Variant Classification Sherloc (09022015). Collection method: clinical testing. Allele origin: germline.
Comment: This sequence change replaces serine, which is neutral and polar, with glycine, which is neutral and non-polar, at codon 658 of the HLCS protein (p.Ser658Gly). This variant is present in population databases (rs755620019, gnomAD 0.007%). This variant has not been reported in the literature in individuals affected with HLCS-related conditions. ClinVar contains an entry for this variant (Variation ID: 379267). Advanced modeling of protein sequence and biophysical properties (such as structural, functional, and spatial information, amino acid conservation, physicochemical variation, residue mobility, and thermodynamic stability) performed at Invitae indicates that this missense variant is not expected to disrupt HLCS protein function. In summary, the available evidence is currently insufficient to determine the role of this variant in disease. Therefore, it has been classified as a Variant of Uncertain Significance.

GeneDx
Classification: Likely benign. Last evaluated: 2015-03-27. Review status: criteria provided, single submitter. Criteria: GeneDx Variant Classification (06012015). Collection method: clinical testing. Allele origin: germline. Affected: yes.
Comment: This variant is considered likely benign or benign based on one or more of the following criteria: it is a conservative change, it occurs at a poorly conserved position in the protein, it is predicted to be benign by multiple in silico algorithms, and/or has population frequency not consistent with disease.